The following is an entry in ClinVar:

ClinVar aggregate classification (germline): Uncertain significance (0 of 4 stars; one submission).

Conditions:
SLC9A6-related disorder. Also called: SLC9A6-related condition.

Submission:

PreventionGenetics, part of Exact Sciences
Classification: Uncertain significance for SLC9A6-related condition. Last evaluated: 2024-03-05. Review status: no assertion criteria provided. Collection method: clinical testing. Allele origin: germline.
Comment: The SLC9A6 c.214G>A variant is predicted to result in the amino acid substitution p.Ala72Thr. To our knowledge, this variant has not been reported in the literature or in a large population database, indicating this variant is rare. At this time, the clinical significance of this variant is uncertain due to the absence of conclusive functional and genetic evidence.

NM_001379110.1(SLC9A6):c.58G>A (p.Ala20Thr)

Genes: SLC9A6 (solute carrier family 9 member A6; plus strand), LOC130068747 (ATAC-STARR-seq lymphoblastoid active region 29988; plus strand). Cytogenetic location: Xq26.3.
Variant type: single nucleotide variant.
Coding change: c.58G>A on transcript NM_001379110.1 (MANE Select); coding-DNA position 58, G replaced by A.
Protein change: p.Ala20Thr; replaces alanine 20 with threonine.
Molecular consequence: missense variant.
Genome position (GRCh38, 1-based): chrX:135,985,716, G>A. VCF-style: chrX-135985716-G-A. GRCh37 (hg19) VCF-style: chrX-135067875-G-A.
Other names: c.214G>A, p.Ala72Thr (NM_001042537.2, NM_006359.3); c.58G>A, p.Ala20Thr (NM_001177651.2, NM_001330652.2, NM_001400909.1 and 4 more transcripts); short protein forms A20T, A72T.
Identifiers: ClinVar variation 3349589 (VCV003349589.1).